The following is an entry in ClinVar:

ClinVar aggregate classification (germline): Uncertain significance (1 of 4 stars; one submission).

gnomAD v4.1: 1 of 1,609,188 alleles (0.000062%); highest among the groups gnomAD compares: Non-Finnish European, 0.000085%; no homozygotes.

Submission:

GeneDx
Classification: Uncertain significance. Last evaluated: 2025-07-07. Review status: criteria provided, single submitter. Criteria: GeneDx Variant Classification Process June 2021. Collection method: clinical testing. Allele origin: germline. Affected: yes.
Comment: Reported as a de novo variant in a patient with autism who also harbors additional de novo variants (PMID: 31785789); Not observed at significant frequency in large population cohorts (gnomAD); In silico analysis supports that this missense variant has a deleterious effect on protein structure/function; This variant is associated with the following publications: (PMID: 35982159, 35982160, 31785789)

NM_003052.5(SLC34A1):c.1421C>T (p.Ala474Val)

Gene: SLC34A1 (solute carrier family 34 member 1; plus strand). Cytogenetic location: 5q35.3.
Variant type: single nucleotide variant.
Coding change: c.1421C>T on transcript NM_003052.5 (MANE Select); coding-DNA position 1421, C replaced by T.
Protein change: p.Ala474Val; replaces alanine 474 with valine.
Molecular consequence: missense variant.
Genome position (GRCh38, 1-based): chr5:177,397,787, C>T. VCF-style: chr5-177397787-C-T. GRCh37 (hg19) VCF-style: chr5-176824788-C-T.
Other names: short protein forms A474V.
Identifiers: ClinVar variation 4685095 (VCV004685095.1).